The following is an entry in ClinVar:

NM_000179.3(MSH6):c.3685A>C (p.Asn1229His)

Gene: MSH6 (mutS homolog 6; plus strand). Cytogenetic location: 2p16.3.
Variant type: single nucleotide variant.
Coding change: c.3685A>C on transcript NM_000179.3 (MANE Select); coding-DNA position 3685, A replaced by C.
Protein change: p.Asn1229His; replaces asparagine 1229 with histidine.
Molecular consequence: missense variant.
Genome position (GRCh38, 1-based): chr2:47,806,242, A>C. VCF-style: chr2-47806242-A-C. GRCh37 (hg19) VCF-style: chr2-48033381-A-C.
Other names: c.3295A>C, p.Asn1099His (NM_001281492.2); c.2779A>C, p.Asn927His (NM_001281493.2, NM_001281494.2); short protein forms N1229H, N927H, N1099H.
Identifiers: ClinVar variation 410481 (VCV000410481.22), dbSNP rs774249402, ClinGen allele CA071840.

ClinVar aggregate classification (germline): Conflicting classifications of pathogenicity. Review status: criteria provided, conflicting classifications (1 of 4 stars). 5 submissions from 5 submitters: Uncertain significance (4); Likely benign (1). Last evaluated 2026-01-27.

Conditions:
Endometrial carcinoma. Also called: Endometrial carcinoma, somatic. Identifiers: MedGen C0476089, MONDO:0002447, OMIM 608089, HP:0012114.
Hereditary nonpolyposis colorectal neoplasms. Identifiers: MedGen C0009405, MeSH D003123.
Hereditary cancer-predisposing syndrome. Also called: Tumor predisposition; Hereditary Cancer Syndrome; Hereditary neoplastic syndrome; Neoplastic Syndromes, Hereditary. Identifiers: Orphanet 140162, MedGen C0027672, MeSH D009386, MONDO:0015356.
Lynch syndrome. Identifiers: Orphanet 144, MedGen C4552100, MONDO:0005835. Disease mechanism: loss of function.

Allele frequency attached by ClinVar (database versions not stated): TOPMed below 0.00001; gnomAD exomes 0.00001; ExAC 0.00002.
gnomAD v4.1: 50 of 1,614,154 alleles (0.0031%); highest among the groups gnomAD compares: Non-Finnish European, 0.0042%; no homozygotes.

Submissions (5):

Labcorp Genetics (formerly Invitae), Labcorp
Classification: Likely benign for Hereditary nonpolyposis colorectal neoplasms. Last evaluated: 2026-01-27. Review status: criteria provided, single submitter. Criteria: Invitae Variant Classification Sherloc (09022015). Collection method: clinical testing. Allele origin: germline.

Color Diagnostics, LLC DBA Color Health
Classification: Uncertain significance for Hereditary cancer-predisposing syndrome. Last evaluated: 2025-11-10. Review status: criteria provided, single submitter. Criteria: ACMG Guidelines, 2015. Collection method: clinical testing. Allele origin: germline.
Comment: This missense variant replaces asparagine with histidine at codon 1229 of the MSH6 protein. Computational prediction tools and conservation analyses are inconclusive regarding the impact of this variant on protein structure and function. Splice site prediction tools suggest that this variant may not impact RNA splicing. To our knowledge, functional studies have not been performed for this variant. This variant has not been reported in individuals affected with hereditary cancer in the literature. This variant has been identified in 2/251242 chromosomes in the general population by the Genome Aggregation Database (gnomAD). The available evidence is insufficient to determine the role of this variant in disease conclusively. Therefore, this variant is classified as a Variant of Uncertain Significance.

Ambry Genetics
Classification: Uncertain significance for Hereditary cancer-predisposing syndrome. Last evaluated: 2023-06-30. Review status: criteria provided, single submitter. Criteria: Ambry Variant Classification Scheme 2023. Collection method: clinical testing. Allele origin: germline.
Comment: The p.N1229H variant (also known as c.3685A>C), located in coding exon 8 of the MSH6 gene, results from an A to C substitution at nucleotide position 3685. The asparagine at codon 1229 is replaced by histidine, an amino acid with similar properties. This amino acid position is not well conserved in available vertebrate species. In addition, this alteration is predicted to be tolerated by in silico analysis. Since supporting evidence is limited at this time, the clinical significance of this alteration remains unclear.

Baylor Genetics
Classification: Uncertain significance for Endometrial carcinoma. Last evaluated: 2023-05-10. Review status: criteria provided, single submitter. Criteria: ACMG Guidelines, 2015. Collection method: clinical testing. Allele origin: unknown.

Department of Pathology and Laboratory Medicine, Sinai Health System
Classification: Uncertain significance for Lynch syndrome. Last evaluated: 2020-07-02. Review status: criteria provided, single submitter. Criteria: ACMG Guidelines, 2015. Collection method: clinical testing. Allele origin: germline. Affected: yes.